The following is an entry in ClinVar:

ClinVar aggregate classification (germline): Uncertain significance (1 of 4 stars; one submission).

Submission:

GeneDx
Classification: Uncertain significance. Last evaluated: 2025-03-03. Review status: criteria provided, single submitter. Criteria: GeneDx Variant Classification Process June 2021. Collection method: clinical testing. Allele origin: germline. Affected: yes.
Comment: Not observed at significant frequency in large population cohorts (gnomAD); In silico analysis indicates that this missense variant does not alter protein structure/function; Has not been previously published as pathogenic or benign to our knowledge

NM_000719.7(CACNA1C):c.382A>G (p.Ile128Val)

Gene: CACNA1C (calcium voltage-gated channel subunit alpha1 C; plus strand). Cytogenetic location: 12p13.33.
Variant type: single nucleotide variant.
Coding change: c.382A>G on transcript NM_000719.7 (MANE Select); coding-DNA position 382, A replaced by G.
Protein change: p.Ile128Val; replaces isoleucine 128 with valine.
Molecular consequence: missense variant.
Genome position (GRCh38, 1-based): chr12:2,120,335, A>G. VCF-style: chr12-2120335-A-G. GRCh37 (hg19) VCF-style: chr12-2229501-A-G.
Other names: c.382A>G, p.Ile128Val (NM_001129827.2, NM_001129829.2, NM_001129830.3 and 19 more transcripts); short protein forms I128V.
Identifiers: ClinVar variation 4082644 (VCV004082644.1).